The following is an entry in ClinVar:

NM_001378778.1(MPDZ):c.193GCAACTTCA[1] (p.65ATS[1])

Gene: MPDZ (multiple PDZ domain crumbs cell polarity complex component; minus strand). Cytogenetic location: 9p23.
Variant type: Microsatellite.
Coding change: c.193GCAACTTCA[1] on transcript NM_001378778.1 (MANE Select); one copy of the 9-base unit GCAACTTCA starting at c.193; the reference has two copies in a row; one copy, 9 bases deleted.
Protein change: p.65ATS[1].
Molecular consequence: inframe deletion.
Genome position (GRCh38, 1-based): chr9:13,224,557-13,224,565, TGAAGTTGC deleted on the plus strand (GCAACTTCA on the coding strand, the reverse complement: MPDZ is on the minus strand); deleting any 9 consecutive bases within chr9:13,224,557-13,224,574 gives the same sequence; the position shown is the placement nearest the transcript's 3' end. VCF-style (leftmost placement, unchanged base first): chr9-13224556-TTGAAGTTGC-T. GRCh37 (hg19) VCF-style: chr9-13224555-TTGAAGTTGC-T.
Other names: c.193GCAACTTCA[1], p.65ATS[1] (NM_001261406.2, NM_001261407.2, NM_001330637.2 and 14 more transcripts).
Identifiers: ClinVar variation 1384197 (VCV001384197.7), dbSNP rs777295107, ClinGen allele CA4988185.

ClinVar aggregate classification (germline): Uncertain significance (1 of 4 stars; one submission).

Submission:

Labcorp Genetics (formerly Invitae), Labcorp
Classification: Uncertain significance. Last evaluated: 2025-03-31. Review status: criteria provided, single submitter. Criteria: Invitae Variant Classification Sherloc (09022015). Collection method: clinical testing. Allele origin: germline.
Comment: This variant, c.202_210del, results in the deletion of 3 amino acid(s) of the MPDZ protein (p.Ala68_Ser70del), but otherwise preserves the integrity of the reading frame. This variant is present in population databases (rs777295107, gnomAD 0.007%). This variant has been observed in individual(s) with clinical features of inherited retinal dystrophy (internal data). Experimental studies and prediction algorithms are not available or were not evaluated, and the functional significance of this variant is currently unknown. In summary, the available evidence is currently insufficient to determine the role of this variant in disease. Therefore, it has been classified as a Variant of Uncertain Significance.